The following is an entry in ClinVar:

ClinVar aggregate classification (germline): Likely pathogenic (1 of 4 stars; one submission).

Conditions:
Spinocerebellar ataxia, autosomal recessive, with axonal neuropathy 2 (SCAN2). Also called: ATAXIA-OCULOMOTOR APRAXIA 2; Ataxia-ocular apraxia-2; Ataxia with Oculomotor Apraxia; Ataxia with Oculomotor Apraxia Type 2. Identifiers: Orphanet 64753, MedGen C1853761, MONDO:0018996, OMIM 606002.

Submission:

3billion
Classification: Likely pathogenic for Spinocerebellar ataxia, autosomal recessive, with axonal neuropathy 2. Last evaluated: 2025-12-18. Review status: criteria provided, single submitter. Criteria: ACMG Guidelines, 2015. Collection method: clinical testing. Allele origin: germline. Affected: yes.
Comment: The variant is not observed in the gnomAD v4.1.0 dataset. Predicted Consequence/Location: Frameshift: predicted to result in a loss or disruption of normal protein function through nonsense-mediated decay (NMD) or protein truncation. Multiple pathogenic variants are reported downstream of the variant. Therefore, this variant is classified as Likely pathogenic according to the recommendation of ACMG/AMP guideline.

NM_015046.7(SETX):c.3215_3216insAA (p.Phe1073fs)

Gene: SETX (senataxin; minus strand). Cytogenetic location: 9q34.13.
Variant type: Insertion.
Coding change: c.3215_3216insAA on transcript NM_015046.7 (MANE Select); coding-DNA positions 3215 to 3216, AA inserted.
Protein change: p.Phe1073fs; shifts the reading frame from phenylalanine 1073.
Molecular consequence: frameshift variant.
Genome position: GRCh38 VCF-style: chr9-132328382-C-CTT. GRCh37 (hg19) VCF-style: chr9-135203769-C-CTT.
Other names: c.3215_3216insAA, p.Phe1073fs (NM_001351527.2, NM_001351528.2); short protein forms F1073fs.
Identifiers: ClinVar variation 4856208 (VCV004856208.1).
Genomic context (GRCh38, chr9:132,328,382, plus strand): 5'-AACTGAAAACACTTCAGATGAACTTTCAAACTCAAAACACTGAGAATCAGATTCCTCAAA[C>CTT]TGAAAAAGAGTCTCTGTCTTTTCTTCCTTTACTGGATTCTTTTCCTCCTTACTATTAACT-3'